The following is an entry in ClinVar:

NM_001042492.3(NF1):c.5671C>G (p.Gln1891Glu)

Gene: NF1 (neurofibromin 1; plus strand). Cytogenetic location: 17q11.2.
Variant type: single nucleotide variant.
Coding change: c.5671C>G on transcript NM_001042492.3 (MANE Select); coding-DNA position 5671, C replaced by G.
Protein change: p.Gln1891Glu; replaces glutamine 1891 with glutamic acid.
Molecular consequence: missense variant.
Genome position (GRCh38, 1-based): chr17:31,330,357, C>G. VCF-style: chr17-31330357-C-G. GRCh37 (hg19) VCF-style: chr17-29657375-C-G.
Other names: c.5608C>G, p.Gln1870Glu (NM_000267.4); short protein forms Q1870E, Q1891E.
Identifiers: ClinVar variation 2767844 (VCV002767844.3), dbSNP rs878853904, ClinGen allele CA399010222.

ClinVar aggregate classification (germline): Uncertain significance (1 of 4 stars; one submission).

Conditions:
Neurofibromatosis, type 1 (NF1). Also called: VON RECKLINGHAUSEN DISEASE; Neurofibromatosis, type I; NEUROFIBROMATOSIS, TYPE I, SOMATIC; Peripheral type neurofibromatosis. Identifiers: Orphanet 636, MedGen C0027831, MONDO:0018975, OMIM 162200. Disease mechanism: loss of function.

Submission:

Labcorp Genetics (formerly Invitae), Labcorp
Classification: Uncertain significance for Neurofibromatosis, type 1. Last evaluated: 2023-10-13. Review status: criteria provided, single submitter. Criteria: Invitae Variant Classification Sherloc (09022015). Collection method: clinical testing. Allele origin: germline.
Comment: This sequence change replaces glutamine, which is neutral and polar, with glutamic acid, which is acidic and polar, at codon 1870 of the NF1 protein (p.Gln1870Glu). This variant is not present in population databases (gnomAD no frequency). This variant has not been reported in the literature in individuals affected with NF1-related conditions. Advanced modeling of protein sequence and biophysical properties (such as structural, functional, and spatial information, amino acid conservation, physicochemical variation, residue mobility, and thermodynamic stability) performed at Invitae indicates that this missense variant is expected to disrupt NF1 protein function. In summary, the available evidence is currently insufficient to determine the role of this variant in disease. Therefore, it has been classified as a Variant of Uncertain Significance.